The following is an entry in ClinVar:

NM_006623.4(PHGDH):c.742G>A (p.Ala248Thr)

Gene: PHGDH (phosphoglycerate dehydrogenase; plus strand). Cytogenetic location: 1p12.
Variant type: single nucleotide variant.
Coding change: c.742G>A on transcript NM_006623.4 (MANE Select); coding-DNA position 742, G replaced by A.
Protein change: p.Ala248Thr; replaces alanine 248 with threonine.
Molecular consequence: missense variant.
Genome position (GRCh38, 1-based): chr1:119,735,393, G>A. VCF-style: chr1-119735393-G-A. GRCh37 (hg19) VCF-style: chr1-120278016-G-A.
Other names: short protein forms A248T.
Identifiers: ClinVar variation 2139691 (VCV002139691.1), dbSNP rs374248197, ClinGen allele CA1037236.
Genomic context (GRCh38, chr1:119,735,393, plus strand): 5'-GGGGTGCGTGTGGTGAACTGTGCCCGTGGAGGGATCGTGGACGAAGGCGCCCTGCTCCGG[G>A]CCCTGCAGTCTGGCCAGTGTGCCGGGGCTGCACTGGACGTGTTTACGGAAGTAAGTGCCT-3'
Protein context (NP_006614.2, residues 238-258): GIVDEGALLR[Ala248Thr]LQSGQCAGAA

ClinVar aggregate classification (germline): Uncertain significance (1 of 4 stars; one submission).

Conditions:
PHGDH deficiency. Identifiers: Orphanet 79351, MedGen C1866174, MONDO:0011152, OMIM 601815.

Allele frequency attached by ClinVar (database versions not stated): gnomAD 0.00001; ExAC 0.00002; gnomAD exomes 0.00002; ESP Exome Variant Server 0.00008.
gnomAD v4.1: 26 of 1,614,016 alleles (0.0016%); highest among the groups gnomAD compares: Non-Finnish European, 0.0021%; no homozygotes.

Submission:

Labcorp Genetics (formerly Invitae), Labcorp
Classification: Uncertain significance for PHGDH deficiency. Last evaluated: 2022-08-19. Review status: criteria provided, single submitter. Criteria: Invitae Variant Classification Sherloc (09022015). Collection method: clinical testing. Allele origin: germline.
Comment: This sequence change replaces alanine, which is neutral and non-polar, with threonine, which is neutral and polar, at codon 248 of the PHGDH protein (p.Ala248Thr). This variant is present in population databases (rs374248197, gnomAD 0.004%). This variant has not been reported in the literature in individuals affected with PHGDH-related conditions. Algorithms developed to predict the effect of missense changes on protein structure and function are either unavailable or do not agree on the potential impact of this missense change (SIFT: "Deleterious"; PolyPhen-2: "Probably Damaging"; Align-GVGD: "Class C0"). In summary, the available evidence is currently insufficient to determine the role of this variant in disease. Therefore, it has been classified as a Variant of Uncertain Significance.